The following is an entry in ClinVar:

NM_000043.6(FAS):c.443+1G>A

Gene: FAS (Fas cell surface death receptor; plus strand). Cytogenetic location: 10q23.31.
Variant type: single nucleotide variant.
Coding change: c.443+1G>A on transcript NM_000043.6 (MANE Select); the canonical splice donor site of the intron after coding-DNA position 443, G replaced by A.
Molecular consequence: splice donor variant.
Genome position (GRCh38, 1-based): chr10:89,008,998, G>A. VCF-style: chr10-89008998-G-A. GRCh37 (hg19) VCF-style: chr10-90768755-G-A.
Other names: NC_000010.10:g.90768755G>A; c.443+1G>A (NM_152872.4, NM_001320619.2, NM_152871.4); c.488+1G>A (NM_001410956.1).
Identifiers: ClinVar variation 265139 (VCV000265139.4), dbSNP rs886039359, ClinGen allele CA10588484.
Genomic context (GRCh38, chr10:89,008,998, plus strand): 5'-ATGTAAACCAAACTTTTTTTGTAACTCTACTGTATGTGAACACTGTGACCCTTGCACCAA[G>A]TAAGTTTTAGTCTTTCTCTGATTAAAACACTAGATATAACATGAGAGTTATCATTTTCCT-3'

ClinVar aggregate classification (germline): Pathogenic/Likely pathogenic. Review status: criteria provided, multiple submitters, no conflicts (2 of 4 stars). 2 submissions from 2 submitters: Pathogenic (1); Likely pathogenic (1). Last evaluated 2025-02-16.

Submissions (3):

Laboratory of Genetics, Children's Clinical University Hospital Latvia
Classification: Likely pathogenic. Last evaluated: 2025-02-16. Review status: criteria provided, single submitter. Criteria: ACMG Guidelines, 2015. Collection method: clinical testing. Allele origin: germline. Affected: yes.

GeneDx
Classification: Pathogenic. Last evaluated: 2016-10-28. Review status: criteria provided, single submitter. Criteria: GeneDx Variant Classification (06012015). Collection method: clinical testing. Allele origin: germline. Affected: yes.
Comment: The c.443+1G>A pathogenic variant in the FAS gene has been reported previously in association withautoimmune lymphoproliferative syndrome (Kanegane et al., 2003). This splice site variant destroysthe canonical splice donor site in intron 4. It is predicted to cause abnormal gene splicing, eitherleading to an abnormal message that is subject to nonsense-mediated mRNA decay, or to an abnormalprotein product if the message is used for protein translation. The c.443+1G>A variant was notobserved in approximately 6500 individuals of European and African American ancestry in theNHLBI Exome Sequencing Project, indicating it is not a common benign variant in these populations.

Dr. Peter K. Rogan Lab, Western University
No classification provided (evidence only). Condition: Thyroid cancer, nonmedullary, 1. Review status: no classification provided. Collection method: in vitro. Allele origin: not applicable. Functional consequence: retained intron. Not counted in ClinVar's aggregate classification.